The following is an entry in ClinVar:

ClinVar aggregate classification (germline): Uncertain significance (1 of 4 stars; one submission).

Conditions:
Kabuki syndrome 2 (KABUK2). Also called: KDM6A-Related Kabuki Syndrome. Identifiers: Orphanet 2322, MedGen C3275495, MONDO:0010465, OMIM 300867.

Submission:

Victorian Clinical Genetics Services, Murdoch Childrens Research Institute
Classification: Uncertain significance for Kabuki syndrome 2. Last evaluated: 2026-01-14. Review status: criteria provided, single submitter. Criteria: ACMG Guidelines, 2015. Collection method: clinical testing. Allele origin: germline. Affected: yes.
Comment: This variant is classified as VUS-3A. Evidence in support of pathogenic classification: Variant is present in gnomAD <0.001 for a dominant condition (v2: 1 heterozygote(s), 0 homozygote(s)); Additional information: Variant is predicted to result in a missense amino acid change from Pro to Ser; This variant is heterozygous; This gene is associated with X-linked disease; This variant has no previous evidence of pathogenicity; No published evidence of segregation with disease has been identified for this variant; No published functional evidence has been identified for this variant; Another missense variant(s) comparable to the one identified in this case has inconclusive previous evidence for pathogenicity. p.(Pro972Leu) has been classified as a VUS by clinical laboratories in ClinVar; Variant is not located in an established domain, motif, hotspot or informative constraint region; Missense variant with inconclusive in silico prediction and/or uninformative conservation; Loss of function is a known mechanism of disease in this gene and is associated with Kabuki syndrome 2 (MIM#300867).

NM_001291415.2(KDM6A):c.2914C>T (p.Pro972Ser)

Gene: KDM6A (lysine demethylase 6A; plus strand). Cytogenetic location: Xp11.3.
Variant type: single nucleotide variant.
Coding change: c.2914C>T on transcript NM_001291415.2 (MANE Select); coding-DNA position 2914, C replaced by T.
Protein change: p.Pro972Ser; replaces proline 972 with serine.
Molecular consequence: missense variant. On other transcripts: non-coding transcript variant (1).
Genome position (GRCh38, 1-based): chrX:45,076,752, C>T. VCF-style: chrX-45076752-C-T. GRCh37 (hg19) VCF-style: chrX-44935997-C-T.
Other names: c.2779C>T, p.Pro927Ser (NM_001291416.2, NM_001419811.1); c.2623C>T, p.Pro875Ser (NM_001291417.2); c.2521C>T, p.Pro841Ser (NM_001291418.2, NM_001419815.1); c.1870C>T, p.Pro624Ser (NM_001291421.2); c.2656C>T, p.Pro886Ser (NM_001410742.1, NM_001419814.1); c.2914C>T, p.Pro972Ser (NM_001419809.1); c.2812C>T, p.Pro938Ser (NM_001419810.1, NM_001419813.1); c.2758C>T, p.Pro920Ser (NM_001419812.1, NM_021140.4); short protein forms P624S, P841S, P875S, P886S, P920S, P927S, P938S, P972S.
Identifiers: ClinVar variation 4819049 (VCV004819049.1).